The following is an entry in ClinVar:

NM_025137.4(SPG11):c.4172_4173insA (p.Ile1392fs)

Genes: SPG11 (SPG11 vesicle trafficking associated, spatacsin; minus strand), LOC130056973 (ATAC-STARR-seq lymphoblastoid active region 9341; plus strand). Cytogenetic location: 15q21.1.
Variant type: Insertion.
Coding change: c.4172_4173insA on transcript NM_025137.4 (MANE Select); coding-DNA positions 4172 to 4173, A inserted.
Protein change: p.Ile1392fs; shifts the reading frame from isoleucine 1392.
Molecular consequence: frameshift variant.
Genome position: GRCh38 VCF-style: chr15-44596344-A-AT. GRCh37 (hg19) VCF-style: chr15-44888542-A-AT.
Other names: c.4172_4173insA, p.Ile1392fs (NM_001160227.2, NM_001411132.1); short protein forms I1392fs.
Identifiers: ClinVar variation 4759235 (VCV004759235.1).

ClinVar aggregate classification (germline): Likely pathogenic (1 of 4 stars; one submission).

Conditions:
Autosomal recessive SPG11-related disorders.

Submission:

Variantyx, Inc.
Classification: Likely pathogenic for Autosomal recessive SPG11-related disorders. Last evaluated: 2025-03-07. Review status: criteria provided, single submitter. Criteria: Variantyx Assertion Criteria 2022. Collection method: clinical testing. Allele origin: germline.
Comment: This is a frameshift variant in the SPG11 gene (OMIM: 610844). Pathogenic variants in this gene have been associated with autosomal recessive SPG11-related disorders. This variant introduces a premature termination codon in exon 25 out of 40. It is expected to result in loss of function, which is a known disease mechanism for SPG11 in this disorder (PMID: 17322883) (PVS1). This variant is absent from control populations (PM2_Supporting). This variant has not been reported in individuals with SPG11-related disorders in the databases available for review. Based on the current evidence, this variant is classified as likely pathogenic for autosomal recessive SPG11-related disorders.